The following is an entry in ClinVar:

NM_207361.6(FREM2):c.8906T>C (p.Leu2969Pro)

Gene: FREM2 (FRAS1 related extracellular matrix 2; plus strand). Cytogenetic location: 13q13.3.
Variant type: single nucleotide variant.
Coding change: c.8906T>C on transcript NM_207361.6 (MANE Select); coding-DNA position 8906, T replaced by C.
Protein change: p.Leu2969Pro; replaces leucine 2969 with proline.
Molecular consequence: missense variant.
Genome position (GRCh38, 1-based): chr13:38,878,877, T>C. VCF-style: chr13-38878877-T-C. GRCh37 (hg19) VCF-style: chr13-39453014-T-C.
Other names: c.8906T>C (NM_207361.4); short protein forms L2969P.
Identifiers: ClinVar variation 499707 (VCV000499707.12), dbSNP rs140937193, ClinGen allele CA6956261.

ClinVar aggregate classification (germline): Uncertain significance. Review status: criteria provided, multiple submitters, no conflicts (2 of 4 stars). 4 submissions from 4 submitters: Uncertain significance (4). Last evaluated 2023-02-15.

Conditions:
Inborn genetic diseases. Identifiers: MedGen C0950123, MeSH D030342.
Fraser syndrome 2 (FRASRS2). Identifiers: MedGen C4540036, MONDO:0054738, OMIM 617666.
Isolated cryptophthalmia. Also called: ANKYLOBLEPHARON, SIMPLE; Cryptophthalmos, unilateral or bilateral, isolated. Identifiers: Orphanet 91396, MedGen C1852453, MONDO:0007410, OMIM 123570.

Allele frequency attached by ClinVar (database versions not stated): gnomAD exomes 0.00006; ExAC 0.00007; gnomAD 0.00025 and 0.00031; ESP Exome Variant Server 0.00031; TOPMed 0.00031.
gnomAD v4.1: 91 of 1,614,044 alleles (0.0056%); highest among the groups gnomAD compares: African/African-American, 0.1%; no homozygotes.

Submissions (4):

Ambry Genetics
Classification: Uncertain significance for Inborn genetic diseases. Last evaluated: 2023-02-15. Review status: criteria provided, single submitter. Criteria: Ambry Variant Classification Scheme 2023. Collection method: clinical testing. Allele origin: germline.

Fulgent Genetics
Classification: Uncertain significance for Isolated cryptophthalmia; Fraser syndrome 2. Last evaluated: 2022-03-11. Review status: criteria provided, single submitter. Criteria: ACMG Guidelines, 2015. Collection method: clinical testing. Allele origin: unknown.

Labcorp Genetics (formerly Invitae), Labcorp
Classification: Uncertain significance. Last evaluated: 2021-09-24. Review status: criteria provided, single submitter. Criteria: Invitae Variant Classification Sherloc (09022015). Collection method: clinical testing. Allele origin: germline.
Comment: This sequence change replaces leucine with proline at codon 2969 of the FREM2 protein (p.Leu2969Pro). The leucine residue is moderately conserved and there is a moderate physicochemical difference between leucine and proline. This variant is present in population databases (rs140937193, ExAC 0.08%). This variant has not been reported in the literature in individuals affected with FREM2-related conditions. ClinVar contains an entry for this variant (Variation ID: 499707). Algorithms developed to predict the effect of missense changes on protein structure and function are either unavailable or do not agree on the potential impact of this missense change (SIFT: "Deleterious"; PolyPhen-2: "Benign"; Align-GVGD: "Class C0"). In summary, the available evidence is currently insufficient to determine the role of this variant in disease. Therefore, it has been classified as a Variant of Uncertain Significance.

Eurofins Ntd Llc (ga)
Classification: Uncertain significance. Last evaluated: 2017-01-05. Review status: criteria provided, single submitter. Criteria: EGL Classification Definitions 2015. Collection method: clinical testing. Allele origin: germline. Observed: 1 variant allele, 1 heterozygote.